The following is an entry in ClinVar:

NM_006949.4(STXBP2):c.821C>T (p.Ala274Val)

Gene: STXBP2 (syntaxin binding protein 2; plus strand). Cytogenetic location: 19p13.2.
Variant type: single nucleotide variant.
Coding change: c.821C>T on transcript NM_006949.4 (MANE Select); coding-DNA position 821, C replaced by T.
Protein change: p.Ala274Val; replaces alanine 274 with valine.
Molecular consequence: missense variant. On other transcripts: non-coding transcript variant (1).
Genome position (GRCh38, 1-based): chr19:7,642,455, C>T. VCF-style: chr19-7642455-C-T. GRCh37 (hg19) VCF-style: chr19-7707341-C-T.
Other names: c.821C>T (NM_006949.2); c.812C>T, p.Ala271Val (NM_001127396.3); c.854C>T, p.Ala285Val (NM_001272034.2); short protein forms A285V, A271V, A274V.
Identifiers: ClinVar variation 1038666 (VCV001038666.10), dbSNP rs763174109, ClinGen allele CA9143811.

ClinVar aggregate classification (germline): Uncertain significance. Review status: criteria provided, multiple submitters, no conflicts (2 of 4 stars). 2 submissions from 2 submitters: Uncertain significance (2). Last evaluated 2025-11-13.

Conditions:
Familial hemophagocytic lymphohistiocytosis 5. Also called: STXBP2-Related Familial Hemophagocytic Lymphohistiocytosis (STXBP2-fHLH). Identifiers: Orphanet 540, MedGen C2751293, MONDO:0013135, OMIM 613101.
Inborn genetic diseases. Identifiers: MedGen C0950123, MeSH D030342.

Allele frequency attached by ClinVar (database versions not stated): TOPMed 0.00001; ExAC 0.00002.
gnomAD v4.1: 30 of 1,613,894 alleles (0.0019%); highest among the groups gnomAD compares: Admixed American, 0.0083%; no homozygotes.

Submissions (2):

Ambry Genetics
Classification: Uncertain significance for Inborn genetic diseases. Last evaluated: 2025-11-13. Review status: criteria provided, single submitter. Criteria: Ambry Variant Classification Scheme 2023. Collection method: clinical testing. Allele origin: germline.
Comment: The c.821C>T (p.A274V) alteration is located in exon 10 (coding exon 10) of the STXBP2 gene. This alteration results from a C to T substitution at nucleotide position 821, causing the alanine (A) at amino acid position 274 to be replaced by a valine (V). Based on data from gnomAD, the T allele has an overall frequency of 0.003% (7/251288) total alleles studied. The highest observed frequency was 0.009% (3/34586) of Latino alleles. Based on insufficient or conflicting evidence, the clinical significance of this alteration remains unclear.

Labcorp Genetics (formerly Invitae), Labcorp
Classification: Uncertain significance for Familial hemophagocytic lymphohistiocytosis 5. Last evaluated: 2024-01-08. Review status: criteria provided, single submitter. Criteria: Invitae Variant Classification Sherloc (09022015). Collection method: clinical testing. Allele origin: germline.
Comment: This sequence change replaces alanine, which is neutral and non-polar, with valine, which is neutral and non-polar, at codon 274 of the STXBP2 protein (p.Ala274Val). This variant is present in population databases (rs763174109, gnomAD 0.009%). This variant has not been reported in the literature in individuals affected with STXBP2-related conditions. ClinVar contains an entry for this variant (Variation ID: 1038666). An algorithm developed to predict the effect of missense changes on protein structure and function (PolyPhen-2) suggests that this variant¬†is likely to be tolerated. In summary, the available evidence is currently insufficient to determine the role of this variant in disease. Therefore, it has been classified as a Variant of Uncertain Significance.